The following is an entry in ClinVar:

ClinVar aggregate classification (germline): Uncertain significance (1 of 4 stars; one submission).

Conditions:
Neurodevelopmental disorder with hypotonia, impaired language, and dysmorphic features. Also called: Intellectual disability, autosomal dominant 40. Identifiers: Orphanet 692193, MedGen C5676894, MONDO:0014699, OMIM 616579.

Allele frequency attached by ClinVar (database versions not stated): gnomAD 0.00001; TOPMed 0.00001; gnomAD exomes 0.00001; ExAC 0.00001.
gnomAD v4.1: 11 of 1,614,102 alleles (0.00068%); highest among the groups gnomAD compares: Non-Finnish European, 0.00093%; no homozygotes.

Submission:

Centre for Mendelian Genomics, University Medical Centre Ljubljana
Classification: Uncertain significance for Neurodevelopmental disorder with hypotonia, impaired language, and dysmorphic features. Last evaluated: 2019-05-06. Review status: criteria provided, single submitter. Criteria: ACMG Guidelines, 2015. Collection method: clinical testing. Allele origin: unknown. Affected: yes.
Comment: This variant was classified as: Uncertain significance. The available evidence on this variant's pathogenicity is insufficient or conflicting. The following ACMG criteria were applied in classifying this variant: PP3,BP1.

NM_032436.4(CHAMP1):c.170A>G (p.Lys57Arg)

Gene: CHAMP1 (chromosome alignment maintaining phosphoprotein 1; plus strand). Cytogenetic location: 13q34.
Variant type: single nucleotide variant.
Coding change: c.170A>G on transcript NM_032436.4 (MANE Select); coding-DNA position 170, A replaced by G.
Protein change: p.Lys57Arg; replaces lysine 57 with arginine.
Molecular consequence: missense variant.
Genome position (GRCh38, 1-based): chr13:114,324,012, A>G. VCF-style: chr13-114324012-A-G. GRCh37 (hg19) VCF-style: chr13-115089487-A-G.
Other names: c.170A>G, p.Lys57Arg (NM_001164144.3, NM_001164145.3); short protein forms K57R.
Identifiers: ClinVar variation 930435 (VCV000930435.3), dbSNP rs782162864, ClinGen allele CA7070586.